The following is an entry in ClinVar:

NM_004523.4(KIF11):c.1289A>C (p.Glu430Ala)

Gene: KIF11 (kinesin family member 11; plus strand). Cytogenetic location: 10q23.33.
Variant type: single nucleotide variant.
Coding change: c.1289A>C on transcript NM_004523.4 (MANE Select); coding-DNA position 1289, A replaced by C.
Protein change: p.Glu430Ala; replaces glutamic acid 430 with alanine.
Molecular consequence: missense variant.
Genome position (GRCh38, 1-based): chr10:92,628,879, A>C. VCF-style: chr10-92628879-A-C. GRCh37 (hg19) VCF-style: chr10-94388636-A-C.
Other names: c.1289A>C (NM_004523.3); short protein forms E430A.
Identifiers: ClinVar variation 1094688 (VCV001094688.11), dbSNP rs554967578, ClinGen allele CA5604168.

ClinVar aggregate classification (germline): Likely benign. Review status: criteria provided, multiple submitters, no conflicts (2 of 4 stars). 3 submissions from 3 submitters: Likely benign (3). Last evaluated 2025-10-20.

Conditions:
KIF11-related disorder. Also called: KIF11-related condition.

Allele frequency attached by ClinVar (database versions not stated): gnomAD 0.00003; gnomAD exomes 0.00007 and 0.00013; 1000 Genomes Project 30x 0.00016; 1000 Genomes Project 0.00020; ExAC 0.00021.
gnomAD v4.1: 104 of 1,586,432 alleles (0.0066%); highest among the groups gnomAD compares: South Asian, 0.11%; no homozygotes.

Submissions (3):

PreventionGenetics, part of Exact Sciences
Classification: Likely benign for KIF11-related condition. Last evaluated: 2025-10-20. Review status: criteria provided, single submitter. Criteria: ACMG Guidelines, 2015. Collection method: clinical testing. Allele origin: germline.
Comment: This variant is classified as likely benign based on ACMG/AMP sequence variant interpretation guidelines (Richards et al. 2015 PMID: 25741868, with internal and published modifications).

Labcorp Genetics (formerly Invitae), Labcorp
Classification: Likely benign. Last evaluated: 2025-10-01. Review status: criteria provided, single submitter. Criteria: Invitae Variant Classification Sherloc (09022015). Collection method: clinical testing. Allele origin: germline.

Blueprint Genetics
Classification: Likely benign. Last evaluated: 2024-10-08. Review status: criteria provided, single submitter. Criteria: ACMG Guidelines, 2015. Collection method: clinical testing. Allele origin: germline.